The following is an entry in ClinVar:

ClinVar aggregate classification (germline): Conflicting classifications of pathogenicity. Review status: criteria provided, conflicting classifications (1 of 4 stars). 2 submissions from 2 submitters: Likely pathogenic (1); Uncertain significance (1). Last evaluated 2025-03-04.

Conditions:
Hereditary hemochromatosis (HFE). Identifiers: MedGen C0392514, MONDO:0006507. Disease mechanism: loss of function.

Allele frequency attached by ClinVar (database versions not stated): ExAC 0.00001; gnomAD exomes 0.00001.
gnomAD v4.1: 17 of 1,613,644 alleles (0.0011%); highest among the groups gnomAD compares: Non-Finnish European, 0.0014%; no homozygotes.

Submissions (2):

Center for Genomic Medicine, Rigshospitalet, Copenhagen University Hospital
Classification: Likely pathogenic. Last evaluated: 2025-03-04. Review status: criteria provided, single submitter. Criteria: ACMG Guidelines, 2015. Collection method: clinical testing. Allele origin: germline.

Labcorp Genetics (formerly Invitae), Labcorp
Classification: Uncertain significance for Hereditary hemochromatosis. Last evaluated: 2022-03-20. Review status: criteria provided, single submitter. Criteria: Invitae Variant Classification Sherloc (09022015). Collection method: clinical testing. Allele origin: germline.
Comment: In summary, the available evidence is currently insufficient to determine the role of this variant in disease. Therefore, it has been classified as a Variant of Uncertain Significance. Algorithms developed to predict the effect of sequence changes on RNA splicing suggest that this variant may disrupt the consensus splice site. This variant has not been reported in the literature in individuals affected with HAMP-related conditions. This variant is present in population databases (rs761907472, gnomAD 0.002%). This sequence change affects an acceptor splice site in intron 1 of the HAMP gene. It is expected to disrupt RNA splicing. Variants that disrupt the donor or acceptor splice site typically lead to a loss of protein function (PMID: 16199547), however the current clinical and genetic evidence is not sufficient to establish whether loss-of-function variants in HAMP cause disease.

Literature cited by the submitters: PubMed 16199547 (cited by Labcorp Genetics (formerly Invitae), Labcorp).

NM_021175.4(HAMP):c.91-1G>A

Gene: HAMP (hepcidin antimicrobial peptide; plus strand). Cytogenetic location: 19q13.12.
Variant type: single nucleotide variant.
Coding change: c.91-1G>A on transcript NM_021175.4 (MANE Select); the canonical splice acceptor site of the intron before coding-DNA position 91, G replaced by A.
Molecular consequence: splice acceptor variant.
Genome position (GRCh38, 1-based): chr19:35,284,788, G>A. VCF-style: chr19-35284788-G-A. GRCh37 (hg19) VCF-style: chr19-35775691-G-A.
Identifiers: ClinVar variation 1697837 (VCV001697837.11), dbSNP rs761907472, ClinGen allele CA9375787.
Genomic context (GRCh38, chr19:35,284,788, plus strand): 5'-GCCAGTCTCAGAGGTCCACTGGGCCCCCTGCCATCCTCTGCACCCCCTTCTGCTTTCACA[G>A]ACGGGACAACTTGCAGAGCTGCAACCCCAGGACAGAGCTGGAGCCAGGGCCAGCTGGATG-3'